The following is an entry in ClinVar:

NM_000038.6(APC):c.1984C>A (p.Leu662Ile)

Gene: APC (APC regulator of Wnt signaling pathway; plus strand). Cytogenetic location: 5q22.2.
Variant type: single nucleotide variant.
Coding change: c.1984C>A on transcript NM_000038.6 (MANE Select); coding-DNA position 1984, C replaced by A.
Protein change: p.Leu662Ile; replaces leucine 662 with isoleucine.
Molecular consequence: missense variant.
Genome position (GRCh38, 1-based): chr5:112,837,578, C>A. VCF-style: chr5-112837578-C-A. GRCh37 (hg19) VCF-style: chr5-112173275-C-A.
Other names: c.1984C>A, p.Leu662Ile (NM_001127510.3, NM_001354895.2); c.1930C>A, p.Leu644Ile (NM_001127511.3); c.2038C>A, p.Leu680Ile (NM_001354896.2); c.2014C>A, p.Leu672Ile (NM_001354897.2); c.1909C>A, p.Leu637Ile (NM_001354898.2); c.1900C>A, p.Leu634Ile (NM_001354899.2); c.1861C>A, p.Leu621Ile (NM_001354900.2); c.1807C>A, p.Leu603Ile (NM_001354901.2); and 5 more; short protein forms L644I, L662I, L502I, L379I, L561I, L603I, L672I, L634I.
Identifiers: ClinVar variation 232098 (VCV000232098.36), dbSNP rs756859993, ClinGen allele CA030573.

ClinVar aggregate classification (germline): Conflicting classifications of pathogenicity. Review status: criteria provided, conflicting classifications (1 of 4 stars). 12 submissions from 11 submitters: Uncertain significance (4); Benign (1); Likely benign (4). 3 of the submissions do not count toward it. Last evaluated 2026-01-27.

Conditions:
Rectum adenocarcinoma. Also called: Rectal Adenocarcinoma. Identifiers: MedGen C0149978, MONDO:0002169.
Hereditary cancer-predisposing syndrome. Also called: Hereditary Cancer Syndrome; Tumor predisposition; Hereditary neoplastic syndrome; Neoplastic Syndromes, Hereditary. Identifiers: Orphanet 140162, MedGen C0027672, MeSH D009386, MONDO:0015356.
Familial adenomatous polyposis 1 (FAP1). Also called: FAMILIAL ADENOMATOUS POLYPOSIS 1, ATTENUATED; POLYPOSIS, ADENOMATOUS INTESTINAL. Identifiers: MedGen C2713442, MONDO:0021056, OMIM 175100. Disease mechanism: loss of function.
Duodenal adenocarcinoma. Identifiers: MedGen C0278804, MONDO:0006186, HP:0006771.

Allele frequency attached by ClinVar (database versions not stated): ExAC 0.00006; TOPMed 0.00006; gnomAD exomes 0.00007; gnomAD 0.00002.
gnomAD v4.1: 30 of 1,612,798 alleles (0.0019%); highest among the groups gnomAD compares: East Asian, 0.06%; no homozygotes.

Submissions (12):

Institute for Biomarker Research, Medical Diagnostic Laboratories, L.L.C.
Classification: Uncertain significance for Hereditary cancer-predisposing syndrome. Last evaluated: 2026-01-27. Review status: criteria provided, single submitter. Criteria: ACMG Guidelines, 2015. Collection method: clinical testing. Allele origin: germline.
Comment: The missense variant NM_000038.6(APC):c.1984C>A (p.Leu662Ile) has not been reported previously as a pathogenic variant, to our knowledge (Accession: VCV000232098.34). There is a small physicochemical difference between leucine and isoleucine, which is not likely to impact secondary protein structure as these residues share similar properties. The p.Leu662Ile missense variant is predicted to be damaging by both SIFT and PolyPhen2. The leucine residue at codon 662 of APC is conserved in all mammalian species. The nucleotide c.1984 in APC is predicted conserved by GERP++ and PhyloP across 100 vertebrates. For these reasons, this variant has been classified as Uncertain Significance.

Labcorp Genetics (formerly Invitae), Labcorp
Classification: Likely benign for Familial adenomatous polyposis 1. Last evaluated: 2025-12-30. Review status: criteria provided, single submitter. Criteria: Invitae Variant Classification Sherloc (09022015). Collection method: clinical testing. Allele origin: germline.

Myriad Genetics, Inc.
Classification: Likely benign for Familial adenomatous polyposis 1. Last evaluated: 2023-02-15. Review status: criteria provided, single submitter. Criteria: Myriad Autosomal Dominant, Autosomal Recessive and X-Linked Classification Criteria (2023). Collection method: clinical testing. Allele origin: unknown.
Comment: This variant is considered likely benign. This variant has been observed at a population frequency that is significantly greater than expected given the associated disease prevalence and penetrance.

Ambry Genetics
Classification: Benign for Hereditary cancer-predisposing syndrome. Last evaluated: 2021-03-31. Review status: criteria provided, single submitter. Criteria: Ambry Variant Classification Scheme 2023. Collection method: clinical testing. Allele origin: germline.

Color Diagnostics, LLC DBA Color Health
Classification: Likely benign for Hereditary cancer-predisposing syndrome. Last evaluated: 2019-12-19. Review status: criteria provided, single submitter. Criteria: ACMG Guidelines, 2015. Collection method: clinical testing. Allele origin: germline.

Women's Health and Genetics/Laboratory Corporation of America, LabCorp
Classification: Uncertain significance. Last evaluated: 2019-06-17. Review status: criteria provided, single submitter. Criteria: LabCorp Variant Classification Summary - May 2015. Collection method: clinical testing. Allele origin: germline.
Comment: Variant summary: APC c.1984C>A (p.Leu662Ile) results in a conservative amino acid change located in the Armadillo repeat (IPR000225) of the encoded protein sequence. Three of five in-silico tools predict a damaging effect of the variant on protein function. The variant allele was found at a frequency of 6.8e-05 in 250674 control chromosomes. This frequency is not significantly higher than expected for a pathogenic variant in APC causing Familial Adenomatous Polyposis (6.8e-05 vs 7.1e-05), allowing no conclusion about variant significance. To our knowledge, c.1984C>A has not been reported in the literature in individuals affected with Familial Adenomatous Polyposis. This variant has been reported in individuals with familial non-medullary thyroid cancer (Yu_2015), metanephric adenoma (Ding_2018), esophageal squamous cell carcinoma (Deng_2019), and schozphrenia (Yang_2017). These report(s) do not provide unequivocal conclusions about association of the variant with Familial Adenomatous Polyposis. To our knowledge, no experimental evidence demonstrating an impact on protein function has been reported. Eight clinical diagnostic laboratories have submitted clinical-significance assessments for this variant to ClinVar after 2014 without evidence for independent evaluation. All laboratories classified the variant as uncertain significance. Based on the evidence outlined above, the variant was classified as uncertain significance.

GeneDx
Classification: Likely benign. Last evaluated: 2019-06-04. Review status: criteria provided, single submitter. Criteria: GeneDx Variant Classification Process June 2021. Collection method: clinical testing. Allele origin: germline. Affected: yes.
Comment: In silico analysis, which includes protein predictors and evolutionary conservation, supports that this variant does not alter protein structure/function; This variant is associated with the following publications: (PMID: 26530882, 28195569, 30111351, 30833958, 27882345, 28944238, 28706299)

Mendelics
Classification: Uncertain significance for Familial adenomatous polyposis 1. Last evaluated: 2018-07-02. Review status: criteria provided, single submitter. Criteria: Mendelics Assertion Criteria 2017. Collection method: clinical testing. Allele origin: unknown.

Laboratory for Molecular Medicine, Mass General Brigham Personalized Medicine
Classification: Uncertain significance. Last evaluated: 2017-03-20. Review status: criteria provided, single submitter. Criteria: LMM Criteria. Collection method: clinical testing. Allele origin: germline. Observed: 1 variant allele.
Comment: The p.Leu662Ile variant in APC has not been previously reported in individuals w ith APC associated disorders, but has been identified in 7/8576 East Asian chrom osomes by the Exome Aggregation Consortium (ExAC ; dbSNP rs756859993). Computational prediction tools and conservation analysis d o not provide strong support for or against an impact to the protein. In summary , the clinical significance of the p.Leu662Ile variant is uncertain.

Counsyl
Classification: Uncertain significance for Familial adenomatous polyposis 1. Last evaluated: 2018-05-08. Review status: no assertion criteria provided. Collection method: clinical testing. Allele origin: unknown. Not counted in ClinVar's aggregate classification.

3DMed Clinical Laboratory Inc
Classification: Uncertain significance for Duodenal adenocarcinoma. Last evaluated: 2017-03-20. Review status: no assertion criteria provided. Criteria: ACMG Guidelines, 2015. Collection method: clinical testing. Allele origin: germline. Affected: yes. Not counted in ClinVar's aggregate classification.

3DMed Clinical Laboratory Inc
Classification: Uncertain significance for Rectal Adenocarcinoma. Last evaluated: 2017-03-20. Review status: no assertion criteria provided. Criteria: ACMG Guidelines, 2015. Collection method: clinical testing. Allele origin: germline. Affected: yes. Not counted in ClinVar's aggregate classification.

Literature cited by the submitters: PubMed 26530882 (cited by 3 submitters); PubMed 30833958 (cited by Ambry Genetics and Women's Health and Genetics/Laboratory Corporation of America, LabCorp); PubMed 30111351 (cited by Women's Health and Genetics/Laboratory Corporation of America, LabCorp); PubMed 28195569 (cited by Women's Health and Genetics/Laboratory Corporation of America, LabCorp).